The following is an entry in ClinVar:

ClinVar aggregate classification (germline): Uncertain significance (1 of 4 stars; one submission).

Allele frequency attached by ClinVar (database versions not stated): TOPMed below 0.00001; gnomAD 0.00001.
gnomAD v4.1: 1 of 1,613,716 alleles (0.000062%); highest among the groups gnomAD compares: Non-Finnish European, 0.000085%; no homozygotes.

Submission:

Labcorp Genetics (formerly Invitae), Labcorp
Classification: Uncertain significance. Last evaluated: 2022-07-12. Review status: criteria provided, single submitter. Criteria: Invitae Variant Classification Sherloc (09022015). Collection method: clinical testing. Allele origin: germline.
Comment: Algorithms developed to predict the effect of missense changes on protein structure and function output the following: SIFT: "Tolerated"; PolyPhen-2: "Benign"; Align-GVGD: "Class C0". The arginine amino acid residue is found in multiple mammalian species, which suggests that this missense change does not adversely affect protein function. In summary, the available evidence is currently insufficient to determine the role of this variant in disease. Therefore, it has been classified as a Variant of Uncertain Significance. ClinVar contains an entry for this variant (Variation ID: 1378763). This sequence change replaces serine, which is neutral and polar, with arginine, which is basic and polar, at codon 371 of the SAG protein (p.Ser371Arg). This variant is not present in population databases (gnomAD no frequency). This variant has not been reported in the literature in individuals affected with SAG-related conditions.

NM_000541.5(SAG):c.1111A>C (p.Ser371Arg)

Gene: SAG (S-antigen visual arrestin; plus strand). Cytogenetic location: 2q37.1.
Variant type: single nucleotide variant.
Coding change: c.1111A>C on transcript NM_000541.5 (MANE Select); coding-DNA position 1111, A replaced by C.
Protein change: p.Ser371Arg; replaces serine 371 with arginine.
Molecular consequence: missense variant.
Genome position (GRCh38, 1-based): chr2:233,346,411, A>C. VCF-style: chr2-233346411-A-C. GRCh37 (hg19) VCF-style: chr2-234255057-A-C.
Other names: short protein forms S371R.
Identifiers: ClinVar variation 1378763 (VCV001378763.6), dbSNP rs1701254072, ClinGen allele CA351049985.